The following is an entry in ClinVar:

ClinVar aggregate classification (germline): Pathogenic (1 of 4 stars; one submission).

Conditions:
Developmental and epileptic encephalopathy, 2 (DEE2). Also called: INFANTILE SPASM SYNDROME, X-LINKED 2; CDKL5 deficiency disorder. Identifiers: Orphanet 1934, Orphanet 3451, Orphanet 505652, MedGen C4750718, MONDO:0010396, OMIM 300672.
Angelman syndrome-like. Identifiers: MedGen CN128785.

Submission:

Labcorp Genetics (formerly Invitae), Labcorp
Classification: Pathogenic for Developmental and epileptic encephalopathy, 2; Angelman syndrome-like. Last evaluated: 2023-03-07. Review status: criteria provided, single submitter. Criteria: Invitae Variant Classification Sherloc (09022015). Collection method: clinical testing. Allele origin: germline.
Comment: This sequence change creates a premature translational stop signal (p.Arg261Lysfs*8) in the CDKL5 gene. It is expected to result in an absent or disrupted protein product. Loss-of-function variants in CDKL5 are known to be pathogenic (PMID: 22872100). This variant is not present in population databases (gnomAD no frequency). This variant has not been reported in the literature in individuals affected with CDKL5-related conditions. For these reasons, this variant has been classified as Pathogenic.

Literature cited by the submitters: PubMed 22872100.

NM_001323289.2(CDKL5):c.781dup (p.Arg261fs)

Gene: CDKL5 (cyclin dependent kinase like 5; plus strand). Cytogenetic location: Xp22.13.
Variant type: Duplication.
Coding change: c.781dup on transcript NM_001323289.2 (MANE Select); coding-DNA position 781, one base duplicated (A; older notation c.781dupA).
Protein change: p.Arg261fs; shifts the reading frame from arginine 261.
Molecular consequence: frameshift variant.
Genome position (GRCh38, 1-based): chrX:18,595,384, A duplicated; the last of 2 consecutive A bases (chrX:18,595,383-18,595,384); duplicating either gives the same sequence. VCF-style (leftmost placement, unchanged base first): chrX-18595382-G-GA. GRCh37 (hg19) VCF-style: chrX-18613502-G-GA.
Other names: c.781dup, p.Arg261fs (NM_003159.3, NM_001037343.2); short protein forms R261fs.
Identifiers: ClinVar variation 2945065 (VCV002945065.3), dbSNP rs2518864177, ClinGen allele CA2740092026.